The following is an entry in ClinVar:

ClinVar aggregate classification (germline): Likely pathogenic. Review status: criteria provided, multiple submitters, no conflicts (2 of 4 stars). 3 submissions from 3 submitters: Likely pathogenic (3). Last evaluated 2025-11-11.

Conditions:
Inborn genetic diseases. Identifiers: MedGen C0950123, MeSH D030342.
Noonan syndrome 4 (NS4). Also called: SOS1-Related Noonan Syndrome; NOONAN SYNDROME WITH PIGMENTED VILLONODULAR SYNOVITIS. Identifiers: Orphanet 648, MedGen C1853120, MONDO:0012547, OMIM 610733.
Fibromatosis, gingival, 1 (GINGF1). Identifiers: Orphanet 2024, MedGen C4551558, MONDO:0007609, OMIM 135300.

Submissions (3):

Mendelics
Classification: Likely pathogenic for Noonan syndrome 4. Last evaluated: 2025-11-11. Review status: criteria provided, single submitter. Criteria: Mendelics Assertion Criteria 2019. Collection method: clinical testing. Allele origin: germline.
Comment: Variant NM_005633.4(SOS1):c.2207T>G (p.Ile736Arg) has frequency zero in GnomaD V4.1.0. Predicted likely pathogenic by in-silico predictors (AlphaMissense, CADD, REVEL) With previous literature.

Ambry Genetics
Classification: Likely pathogenic for Inborn genetic diseases. Last evaluated: 2017-07-28. Review status: criteria provided, single submitter. Criteria: Ambry exome assertion method (8-5-2015). Collection method: clinical testing. Allele origin: germline. Affected: yes. Observed: 1 variant allele.

Genome-Nilou Lab
Classification: Likely pathogenic for Fibromatosis, gingival, 1. Review status: criteria provided, single submitter. Criteria: ACMG Guidelines, 2015. Collection method: clinical testing. Allele origin: germline.

Literature cited by the submitters: PubMed 19020799 (cited by Mendelics).

NM_005633.4(SOS1):c.2207T>G (p.Ile736Arg)

Gene: SOS1 (SOS Ras/Rac guanine nucleotide exchange factor 1; minus strand). Cytogenetic location: 2p22.1.
Variant type: single nucleotide variant.
Coding change: c.2207T>G on transcript NM_005633.4 (MANE Select); coding-DNA position 2207, T replaced by G.
Protein change: p.Ile736Arg; replaces isoleucine 736 with arginine.
Molecular consequence: missense variant.
Genome position (GRCh38, 1-based): chr2:39,012,309, A>C on the plus strand (T>G on the coding strand, the complement: SOS1 is on the minus strand). VCF-style: chr2-39012309-A-C. GRCh37 (hg19) VCF-style: chr2-39239450-A-C.
Other names: c.2186T>G, p.Ile729Arg (NM_001382394.1); c.2207T>G, p.Ile736Arg (NM_001382395.1); short protein forms I736R, I729R.
Identifiers: ClinVar variation 521933 (VCV000521933.7), dbSNP rs1553354396, ClinGen allele CA346364396.